The following is an entry in ClinVar:

NM_000553.6(WRN):c.1952G>A (p.Gly651Asp)

Gene: WRN (WRN RecQ like helicase; plus strand). Cytogenetic location: 8p12.
Variant type: single nucleotide variant.
Coding change: c.1952G>A on transcript NM_000553.6 (MANE Select); coding-DNA position 1952, G replaced by A.
Protein change: p.Gly651Asp; replaces glycine 651 with aspartic acid.
Molecular consequence: missense variant.
Genome position (GRCh38, 1-based): chr8:31,096,821, G>A. VCF-style: chr8-31096821-G-A. GRCh37 (hg19) VCF-style: chr8-30954337-G-A.
Other names: short protein forms G651D.
Identifiers: ClinVar variation 933736 (VCV000933736.1), dbSNP rs1814006055, ClinGen allele CA370929826.

ClinVar aggregate classification (germline): Uncertain significance (1 of 4 stars; one submission).

Conditions:
Werner syndrome (WRN). Identifiers: Orphanet 902, MedGen C0043119, MONDO:0010196, OMIM 277700.

Submission:

Labcorp Genetics (formerly Invitae), Labcorp
Classification: Uncertain significance for Werner syndrome. Last evaluated: 2019-09-27. Review status: criteria provided, single submitter. Criteria: Invitae Variant Classification Sherloc (09022015). Collection method: clinical testing. Allele origin: germline.
Comment: This sequence change replaces glycine with aspartic acid at codon 651 of the WRN protein (p.Gly651Asp). The glycine residue is weakly conserved and there is a moderate physicochemical difference between glycine and aspartic acid. This variant is not present in population databases (ExAC no frequency). This variant has not been reported in the literature in individuals with WRN-related conditions. Algorithms developed to predict the effect of missense changes on protein structure and function output the following: SIFT: "Not Available"; PolyPhen-2: "Benign"; Align-GVGD: "Not Available". The aspartic acid amino acid residue is found in multiple mammalian species, suggesting that this missense change does not adversely affect protein function. These predictions have not been confirmed by published functional studies and their clinical significance is uncertain. In summary, the available evidence is currently insufficient to determine the role of this variant in disease. Therefore, it has been classified as a Variant of Uncertain Significance.